The following is an entry in ClinVar:

NM_001039111.3(TRIM71):c.1789G>A (p.Gly597Ser)

Gene: TRIM71 (tripartite motif containing 71; plus strand). Cytogenetic location: 3p22.3.
Variant type: single nucleotide variant.
Coding change: c.1789G>A on transcript NM_001039111.3 (MANE Select); coding-DNA position 1789, G replaced by A.
Protein change: p.Gly597Ser; replaces glycine 597 with serine.
Molecular consequence: missense variant.
Genome position (GRCh38, 1-based): chr3:32,890,993, G>A. VCF-style: chr3-32890993-G-A. GRCh37 (hg19) VCF-style: chr3-32932485-G-A.
Other names: short protein forms G597S.
Identifiers: ClinVar variation 996349 (VCV000996349.7), dbSNP rs201860756, ClinGen allele CA2298915.

ClinVar aggregate classification (germline): Conflicting classifications of pathogenicity. Review status: criteria provided, conflicting classifications (1 of 4 stars). 4 submissions from 4 submitters: Uncertain significance (3); Likely benign (1). Last evaluated 2023-07-06.

Conditions:
Non-obstructive azoospermia. Identifiers: MedGen C4021107, HP:0011961.
Hydrocephalus, congenital communicating, 1. Also called: HYDROCEPHALUS, CONGENITAL, 4. Identifiers: MedGen C5231454, MONDO:0032862, OMIM 618667.

Allele frequency attached by ClinVar (database versions not stated): gnomAD 0.00016 and 0.00022; gnomAD exomes 0.00021 and 0.00040; 1000 Genomes Project 0.00060; TOPMed 0.00012; ExAC 0.00035; 1000 Genomes Project 30x 0.00047.
gnomAD v4.1: 355 of 1,614,076 alleles (0.022%); highest among the groups gnomAD compares: South Asian, 0.2%; 1 homozygote.

Submissions (4):

Intergen Genetics and Rare Diseases Diagnosis Center
Classification: Likely benign for Hydrocephalus, congenital communicating, 1. Last evaluated: 2023-07-06. Review status: criteria provided, single submitter. Criteria: ACMG Guidelines, 2015. Collection method: clinical testing. Allele origin: germline. Inheritance: Autosomal dominant inheritance. Affected: no. Observed: 1 heterozygote.

Department of Pathology and Laboratory Medicine, Sinai Health System
Classification: Uncertain significance for Hydrocephalus, congenital communicating, 1. Last evaluated: 2021-09-29. Review status: criteria provided, single submitter. Criteria: ACMG Guidelines, 2015. Collection method: research. Allele origin: germline.

Institute of Reproductive Genetics, University of Münster
Classification: Uncertain significance for Non-obstructive azoospermia. Last evaluated: 2021-03-01. Review status: criteria provided, single submitter. Criteria: ACMG Guidelines, 2015. Collection method: research. Allele origin: unknown. Inheritance: Autosomal unknown. Affected: yes. Observed: 3 variant alleles, 3 heterozygotes.
Comment: PM1, PP3, BS2

Breakthrough Genomics
Classification: Uncertain significance. Review status: criteria provided, single submitter. Criteria: ACMG Guidelines, 2015. Collection method: not provided. Allele origin: germline. Inheritance: Autosomal dominant inheritance. Affected: yes.